The following is an entry in ClinVar:

ClinVar aggregate classification (germline): Uncertain significance (1 of 4 stars; one submission).

Conditions:
PHGDH deficiency. Identifiers: Orphanet 79351, MedGen C1866174, MONDO:0011152, OMIM 601815.

Submission:

Labcorp Genetics (formerly Invitae), Labcorp
Classification: Uncertain significance for PHGDH deficiency. Last evaluated: 2024-06-04. Review status: criteria provided, single submitter. Criteria: Invitae Variant Classification Sherloc (09022015). Collection method: clinical testing. Allele origin: germline.
Comment: This sequence change replaces alanine, which is neutral and non-polar, with valine, which is neutral and non-polar, at codon 336 of the PHGDH protein (p.Ala336Val). This variant is not present in population databases (gnomAD no frequency). This variant has not been reported in the literature in individuals affected with PHGDH-related conditions. ClinVar contains an entry for this variant (Variation ID: 1489920). Advanced modeling of protein sequence and biophysical properties (such as structural, functional, and spatial information, amino acid conservation, physicochemical variation, residue mobility, and thermodynamic stability) has been performed at Invitae for this missense variant, however the output from this modeling did not meet the statistical confidence thresholds required to predict the impact of this variant on PHGDH protein function. In summary, the available evidence is currently insufficient to determine the role of this variant in disease. Therefore, it has been classified as a Variant of Uncertain Significance.

NM_006623.4(PHGDH):c.1007C>T (p.Ala336Val)

Gene: PHGDH (phosphoglycerate dehydrogenase; plus strand). Cytogenetic location: 1p12.
Variant type: single nucleotide variant.
Coding change: c.1007C>T on transcript NM_006623.4 (MANE Select); coding-DNA position 1007, C replaced by T.
Protein change: p.Ala336Val; replaces alanine 336 with valine.
Molecular consequence: missense variant.
Genome position (GRCh38, 1-based): chr1:119,740,447, C>T. VCF-style: chr1-119740447-C-T. GRCh37 (hg19) VCF-style: chr1-120283070-C-T.
Other names: short protein forms A336V.
Identifiers: ClinVar variation 1489920 (VCV001489920.8), dbSNP rs760161275, ClinGen allele CA341852289.